The following is an entry in ClinVar:

ClinVar aggregate classification (germline): Likely pathogenic. Review status: criteria provided, multiple submitters, no conflicts (2 of 4 stars). 3 submissions from 3 submitters: Likely pathogenic (3). Last evaluated 2026-09-08.

Conditions:
Fabry disease. Also called: Fabry's disease; ALPHA-GALACTOSIDASE A DEFICIENCY; ANDERSON-FABRY DISEASE; CERAMIDE TRIHEXOSIDASE DEFICIENCY; GLA DEFICIENCY; HEREDITARY DYSTOPIC LIPIDOSIS. Identifiers: Orphanet 324, MedGen C0002986, MONDO:0010526, OMIM 301500, HP:0001071. Disease mechanism: Fabry disease is due to inactivating mutations in the X-linked GLA gene resulting in deficiency of the enzyme Alpha Galactosidase-A., loss of function.
Fabry disease, cardiac variant. Identifiers: MedGen C1970820.

Submissions (3):

Genomenon, Inc
Classification: Likely pathogenic for Fabry disease. Last evaluated: 2026-09-08. Review status: criteria provided, single submitter. Criteria: Genomenon Sequence Variant Interpretation Standards - Updated. Collection method: curation. Allele origin: germline. Affected: yes.
Comment: GLA p.Gly261Cys (c.781G>T) is a missense variant that changes the amino acid at codon 261 from Glycine to Cysteine. This variant has been observed in at least one proband with clinical features consistent with Fabry disease (PMID:33915609;38002959). The variant was found to segregate with disease in at least one affected family (PMID:33915609;38002959). Functional or patient cell studies have been reported (PMID:33915609). This variant is located in a mutational hotspot and/or important functional domain. It is absent or not present at a significant frequency in gnomAD. In silico models predict that this variant is possibly or probably damaging. In conclusion, we classify GLA p.Gly261Cys (c.781G>T) as a likely pathogenic variant.

3billion
Classification: Likely pathogenic for Fabry disease. Last evaluated: 2024-09-29. Review status: criteria provided, single submitter. Criteria: ACMG Guidelines, 2015. Collection method: clinical testing. Allele origin: germline. Affected: yes.
Comment: The variant is not observed in the gnomAD v4.1.0 dataset. Predicted Consequence/Location: Missense variant In silico tool predictions suggest damaging effect of the variant on gene or gene product [REVEL: 0.81 (>=0.6, sensitivity 0.68 and specificity 0.92); 3Cnet: 0.97 (>=0.6, sensitivity 0.72 and precision 0.9)]. The same nucleotide change resulting in the same amino acid change has been previously reported to be associated with GLA related disorder (ClinVar ID: VCV003248613 /3billion dataset).Different missense changes at the same codon (p.Gly261Asp, p.Gly261Val) have been reported as pathogenic/likely pathogenic with strong evidence (ClinVar ID: VCV000222387, VCV000977728 /PMID: 23935525, 9105656). Therefore, this variant is classified as Likely pathogenic according to the recommendation of ACMG/AMP guideline.

Clinical Genetics Laboratory, Skane University Hospital Lund
Classification: Likely pathogenic for Fabry disease, cardiac variant. Last evaluated: 2024-06-28. Review status: criteria provided, single submitter. Criteria: ACMG Guidelines, 2015. Collection method: clinical testing. Allele origin: germline. Affected: yes.
Comment: PM1, PM2, PP2, PP3

Literature cited by the submitters: PubMed 33915609 (cited by Genomenon, Inc); PubMed 38002959 (cited by Genomenon, Inc); PubMed 23935525 (cited by 3billion).

NM_000169.3(GLA):c.781G>T (p.Gly261Cys)

Genes: GLA (galactosidase alpha; minus strand), RPL36A-HNRNPH2 (RPL36A-HNRNPH2 readthrough; plus strand). Cytogenetic location: Xq22.1.
Variant type: single nucleotide variant.
Coding change: c.781G>T on transcript NM_000169.3 (MANE Select); coding-DNA position 781, G replaced by T.
Protein change: p.Gly261Cys; replaces glycine 261 with cysteine.
Molecular consequence: missense variant. On other transcripts: non-coding transcript variant (3), intron variant (2).
Genome position (GRCh38, 1-based): chrX:101,398,805, C>A on the plus strand (G>T on the coding strand, the complement: GLA is on the minus strand). VCF-style: chrX-101398805-C-A. GRCh37 (hg19) VCF-style: chrX-100653793-C-A.
Other names: c.904G>T, p.Gly302Cys (NM_001406747.1); c.781G>T, p.Gly261Cys (NM_001406748.1); c.300+3348C>A (NM_001199973.2); c.177+6983C>A (NM_001199974.2); short protein forms G261C, G302C.
Identifiers: ClinVar variation 3248613 (VCV003248613.5), dbSNP rs886044878.